The following is an entry in ClinVar:

NC_000008.10:g.(?_100108520)_(100403952_?)del

Gene: VPS13B (vacuolar protein sorting 13 homolog B; plus strand). Cytogenetic location: 8q22.2.
Variant type: Deletion.
Identifiers: ClinVar variation 3245457 (VCV003245457.1).

ClinVar aggregate classification (germline): Pathogenic (1 of 4 stars; one submission).

Conditions:
Cohen syndrome (COH1). Also called: Cutis verticis gyrata, retinitis pigmentosa, and sensorineural deafness; PEPPER SYNDROME. Identifiers: Orphanet 193, MedGen C0265223, MONDO:0008999, OMIM 216550.

Submission:

Labcorp Genetics (formerly Invitae), Labcorp
Classification: Pathogenic for Cohen syndrome. Last evaluated: 2023-05-02. Review status: criteria provided, single submitter. Criteria: Invitae Variant Classification Sherloc (09022015). Collection method: clinical testing. Allele origin: unknown.
Comment: For these reasons, this variant has been classified as Pathogenic. This variant has not been reported in the literature in individuals affected with VPS13B-related conditions. This variant is a gross deletion of the genomic region encompassing exon(s) 4-21 of the VPS13B gene. This deletion is out-of-frame, and is expected to create a premature termination codon and result in an absent or disrupted protein product. Loss-of-function variants in VPS13B are known to be pathogenic (PMID: 15141358, 16648375, 20461111).

Literature cited by the submitters: PubMed 15141358; PubMed 16648375; PubMed 20461111.